The following is an entry in ClinVar:

NR_023343.3(RNU4ATAC):n.6T>C

Genes: CLASP1 (cytoplasmic linker associated protein 1; minus strand), CLASP1-AS1 (CLASP1 antisense RNA 1; plus strand), RNU4ATAC (RNA, U4atac small nuclear; plus strand). Cytogenetic location: 2q14.2.
Variant type: single nucleotide variant.
Molecular consequence: intron variant (on NM_001395891.1).
Genome position: GRCh38 VCF-style: chr2-121530885-T-C. GRCh37 (hg19) VCF-style: chr2-122288461-T-C.
Other names: c.196-560A>G (NM_001142274.2, NM_015282.3, NM_001378003.1 and 5 more transcripts).
Identifiers: ClinVar variation 873520 (VCV000873520.8), dbSNP rs1208611147, ClinGen allele CA428887774.

ClinVar aggregate classification (germline): Conflicting classifications of pathogenicity. Review status: criteria provided, conflicting classifications (1 of 4 stars). 3 submissions from 3 submitters: Likely pathogenic (2); Uncertain significance (1). Last evaluated 2025-03-20.

Conditions:
RNU4ATAC-related spliceosomopathies.
Roifman syndrome (RFMN). Also called: SPONDYLOEPIPHYSEAL DYSPLASIA, RETINAL DYSTROPHY, AND ANTIBODY DEFICIENCY. Identifiers: Orphanet 353298, MedGen C1846059, MONDO:0014722, OMIM 616651.

Allele frequency attached by ClinVar (database versions not stated): TOPMed 0.00002.
gnomAD v4.1: 9 of 692,916 alleles (0.0013%); highest among the groups gnomAD compares: African/African-American, 0.0018%; no homozygotes.

Submissions (3):

Institute of Human Genetics Munich, TUM University Hospital
Classification: Likely pathogenic for Roifman syndrome. Last evaluated: 2025-03-20. Review status: criteria provided, single submitter. Criteria: Classification criteria August 2017. Collection method: clinical testing. Allele origin: germline. Inheritance: Autosomal recessive inheritance. Affected: yes. Observed: 3 variant alleles. Clinical features observed: Microcephaly (HP:0000252), Multiple joint contractures (HP:0002828), Skeletal dysplasia (HP:0002652).

Labcorp Genetics (formerly Invitae), Labcorp
Classification: Uncertain significance. Last evaluated: 2024-08-30. Review status: criteria provided, single submitter. Criteria: Invitae Variant Classification Sherloc (09022015). Collection method: clinical testing. Allele origin: germline.
Comment: This variant occurs in the RNU4ATAC gene, which encodes an RNA molecule that does not result in a protein product. This variant is present in population databases (no rsID available, gnomAD 0.007%). This variant has been observed in individual(s) with clinical features of primary immunodeficiency (internal data). In at least one individual the data is consistent with being in trans (on the opposite chromosome) from a pathogenic variant. ClinVar contains an entry for this variant (Variation ID: 873520). Experimental studies and prediction algorithms are not available or were not evaluated, and the functional significance of this variant is currently unknown. In summary, the available evidence is currently insufficient to determine the role of this variant in disease. Therefore, it has been classified as a Variant of Uncertain Significance.

Illumina Laboratory Services, Illumina
Classification: Likely pathogenic for RNU4ATAC-related spliceosomopathies. Last evaluated: 2020-01-31. Review status: criteria provided, single submitter. Criteria: ICSLVariantClassificationCriteria RUGD 01 April 2020. Collection method: clinical testing. Allele origin: unknown.
Comment: The RNU4ATAC n.6T>C variant is a single nucleotide variant in a non-coding region which impacts the U4atac snRNA. A literature search was performed for the gene, nDNA change, and RNA change. No publications were found based on this search. The variant is reported at a frequency of 0.000046 in the European (non-Finnish) population of the Genome Aggregation Database in a region of good sequence coverage so the variant is presumed to be rare. This variant is located in the stem II region of the U4atac snRNA, which mediates pairing with U6atac snRNA during assembly of the minor spliceosome. While n.6T>C is a novel variant whose consequences have not been evaluated experimentally, other variants in the stem II region have been reported in affected individuals and shown to disrupt pairing with U6atac snRNA and impair minor spliceosome function (Shukla et al. 2002; Hallermayr et al 2018). Based on the collective evidence, the n.6T>C variant is classified as likely pathogenic for RNU4ATAC-related spliceosomopathies.

Literature cited by the submitters: PubMed 30455926 (cited by Illumina Laboratory Services, Illumina); PubMed 12409455 (cited by Illumina Laboratory Services, Illumina).